The following is an entry in ClinVar:

NM_138694.4(PKHD1):c.10315G>T (p.Asp3439Tyr)

Gene: PKHD1 (PKHD1 ciliary IPT domain containing fibrocystin/polyductin; minus strand). Cytogenetic location: 6p12.3.
Variant type: single nucleotide variant.
Coding change: c.10315G>T on transcript NM_138694.4 (MANE Select); coding-DNA position 10315, G replaced by T.
Protein change: p.Asp3439Tyr; replaces aspartic acid 3439 with tyrosine.
Molecular consequence: missense variant.
Genome position (GRCh38, 1-based): chr6:51,659,811, C>A on the plus strand (G>T on the coding strand, the complement: PKHD1 is on the minus strand). VCF-style: chr6-51659811-C-A. GRCh37 (hg19) VCF-style: chr6-51524609-C-A.
Other names: short protein forms D3439Y.
Identifiers: ClinVar variation 1806325 (VCV001806325.8), dbSNP rs778711731, ClinGen allele CA364436426.

ClinVar aggregate classification (germline): Conflicting classifications of pathogenicity. Review status: criteria provided, conflicting classifications (1 of 4 stars). 9 submissions from 9 submitters: Likely pathogenic (5); Uncertain significance (4). Last evaluated 2026-01-13.

Conditions:
Autosomal recessive polycystic kidney disease (ARPKD). Also called: AR polycystic kidney disease. Identifiers: Orphanet 731, Orphanet 8378, MedGen C0085548, MeSH D017044, MONDO:0009889.
PKHD1-related disorder. Also called: PKHD1-related condition.
Polycystic kidney disease 4 (PKD4). Also called: POLYCYSTIC KIDNEY AND HEPATIC DISEASE 1; POLYCYSTIC KIDNEY DISEASE, INFANTILE, TYPE I; PKD3; Autosomal Recessive Polycystic Kidney Disease – PKHD1; POLYCYSTIC KIDNEY DISEASE 4 WITH OR WITHOUT POLYCYSTIC LIVER DISEASE. Identifiers: MedGen C4540575, MONDO:0033004, OMIM 263200.

Allele frequency attached by ClinVar (database versions not stated): TOPMed below 0.00001.
gnomAD v4.1: 1 of 1,613,808 alleles (0.000062%); highest among the groups gnomAD compares: East Asian, 0.0022%; no homozygotes.

Submissions (9):

PreventionGenetics, part of Exact Sciences
Classification: Likely pathogenic for PKHD1-related condition. Last evaluated: 2026-01-13. Review status: criteria provided, single submitter. Criteria: ACMG Guidelines, 2015. Collection method: clinical testing. Allele origin: germline.
Comment: The PKHD1 c.10315G>T variant is predicted to result in the amino acid substitution p.Asp3439Tyr. This variant has been reported with an additional PKHD1 variant in unrelated individuals with PKHD1-related phenotypes; and at least one patient was confirmed in the compound heterozygous state (Qiu et al. 2020. PubMed ID: 33123899; Zhang et al. 2021. PubMed ID: 33012093; Table S4, Liu et al. 2022. PubMed ID: 36549658). This variant is not reported in a large population database (gnomAD), indicating it is rare. The majority of submitters to the ClinVar database classify this variant as likely pathogenic (Variation ID: 1806325). Taken together, we interpret this variant as likely pathogenic.

Genesolutions, Medical Genetics Institutes, Ho Chi Minh City, Vietnam
Classification: Uncertain significance for Polycystic kidney disease 4. Last evaluated: 2025-09-24. Review status: criteria provided, single submitter. Criteria: ACMG Guidelines, 2015. Collection method: clinical testing. Allele origin: germline. Affected: yes.

Guangxi Clinical Research Center for Birth Defects, Maternal and Child Health Hospital of Guangxi Zhuang Autonomous Region
Classification: Uncertain significance for Autosomal recessive polycystic kidney disease. Last evaluated: 2025-06-22. Review status: criteria provided, single submitter. Criteria: ACMG Guidelines, 2015. Collection method: research. Allele origin: paternal.
Comment: The NM_138694 c.10315G>T variant in PKHD1 results in the missense substitution p.Asp3439Tyr (PVS1 not applicable). It was classified as “Uncertain significance” by the InterVar automated pipeline. The variant is absent or exhibits an extremely low allele frequency in public population databases such as gnomAD and ExAC, supporting the PM2 criterion. Multiple in silico prediction tools (SIFT, Polyphen2-HDIV, Polyphen2-HVAR, LRT) consistently indicate a deleterious effect (PP3). OMIM: 263200) and Caroli disease (internal data), consistent with PP4. The variant is present in a heterozygous state in all four tested affected individuals in this family. However, the clinical significance remains uncertain due to the absence of the following evidence: 1) confirmation of biallelic occurrence with another pathogenic PKHD1 variant in trans; 2) functional studies demonstrating its impact on protein function; and 3) independent reports in unrelated affected families (thus currently lacking support for PM3 or PS3). Overall, this classification is based on the available evidence: PM2, PP3, PP4.

Myriad Genetics, Inc.
Classification: Likely pathogenic for Polycystic kidney disease 4. Last evaluated: 2025-06-11. Review status: criteria provided, single submitter. Criteria: Myriad Autosomal Dominant, Autosomal Recessive and X-Linked Classification Criteria (2023). Collection method: clinical testing. Allele origin: unknown.
Comment: NM_138694.3(PKHD1):c.10315G>T(D3439Y) is a missense variant classified as likely pathogenic in the context of autosomal recessive polycystic kidney disease, PKHD1-related. D3439Y has been observed in cases with relevant disease (PMID: 36549658, Yan_2016_(Article), Aoyu_2025_(Case Report), Zhang_2020_(Article)). Relevant functional assessments of this variant are not available in the literature. D3439Y has not been observed in referenced population frequency databases. In summary, NM_138694.3(PKHD1):c.10315G>T(D3439Y) is a missense variant that has been observed more frequently in cases with the relevant disease than in healthy populations. Please note: this variant was assessed in the context of healthy population screening.

Daryl Scott Lab, Baylor College of Medicine
Classification: Likely pathogenic for Polycystic kidney disease 4. Last evaluated: 2024-01-01. Review status: criteria provided, single submitter. Criteria: ACMG Guidelines, 2015. Collection method: clinical testing. Allele origin: paternal. Affected: yes. Observed: 1 heterozygote.
Comment: PS4, PM2, PM3, PP3

Women's Health and Genetics/Laboratory Corporation of America, LabCorp
Classification: Uncertain significance. Last evaluated: 2023-11-10. Review status: criteria provided, single submitter. Criteria: LabCorp Variant Classification Summary - May 2015. Collection method: clinical testing. Allele origin: germline.
Comment: Variant summary: PKHD1 c.10315G>T (p.Asp3439Tyr) results in a non-conservative amino acid change in the encoded protein sequence. Five of five in-silico tools predict a damaging effect of the variant on protein function. The variant was absent in 250950 control chromosomes. The available data on variant occurrences in the general population are insufficient to allow any conclusion about variant significance. c.10315G>T has been reported in the literature in at least one compound heterozygous individual affected with Polycystic Kidney And Hepatic Disease (Qiu_2020). This patient's phenotype included hepatomegaly and bilateral renal hypodysplasia, which is not the expected kidney phenotype seen in Polycystic Kidney and Hepatic Disease (Liu_2022). To our knowledge, no experimental evidence demonstrating an impact on protein function has been reported. The following publications have been ascertained in the context of this evaluation (PMID: 36549658, 33123899). One submitter has cited clinical-significance assessments for this variant to ClinVar after 2014 and has classified the variant as likely pathogenic. Based on the evidence outlined above, the variant was classified as uncertain significance.

Baylor Genetics
Classification: Likely pathogenic for Polycystic kidney disease 4. Last evaluated: 2023-08-16. Review status: criteria provided, single submitter. Criteria: ACMG Guidelines, 2015. Collection method: clinical testing. Allele origin: unknown.

Victorian Clinical Genetics Services, Murdoch Childrens Research Institute
Classification: Likely pathogenic for Polycystic kidney disease 4. Last evaluated: 2022-06-24. Review status: criteria provided, single submitter. Criteria: ACMG Guidelines, 2015. Collection method: clinical testing. Allele origin: germline. Inheritance: Autosomal recessive inheritance. Affected: yes.
Comment: Based on the classification scheme VCGS_Germline_v1.3.4, this variant is classified as Likely Pathogenic. Following criteria are met: 0102 - Loss of function is a known mechanism of disease in this gene and is associated with polycystic kidney disease 4, with or without hepatic disease (MIM#263200). (I) 0106 - This gene is associated with autosomal recessive disease. (I) 0115 - Variants in this gene are known to have variable expressivity (GeneReviews). (I) 0200 - Variant is predicted to result in a missense amino acid change from aspartic acid to tyrosine. (I) 0251 - This variant is heterozygous. (I) 0301 - Variant is absent from gnomAD (both v2 and v3). (SP) 0309 - An alternative amino acid change at the same position has been observed in gnomAD (v2; 1 heterozygote, 0 homozygotes). (I) 0502 - Missense variant with conflicting in silico predictions and uninformative conservation. (I) 0604 - Variant is not located in an established domain, motif, hotspot or informative constraint region. (I) 0705 - No comparable missense variants have previous evidence for pathogenicity. (I) 0803 - This variant has limited previous evidence of pathogenicity in an unrelated individual. It has been reported in a patient with autosomal recessive polycystic kidney disease as compound heterozygous with an NMD-predicted variant (Yan, Y. et al. (2016)). (SP) 1007 - No published functional evidence has been identified for this variant. (I) 1102 - Strong phenotype match for this individual. (SP) 1201 - Heterozygous variant detected in trans with a second pathogenic heterozygous variant (NM_138694.3(PKHD1):c.9825delT; p.(Gln3276Lysfs*9)) in a recessive disease. (I) Legend: (SP) - Supporting pathogenic, (I) - Information, (SB) - Supporting benign

Juno Genomics, Hangzhou Juno Genomics, Inc
Classification: Uncertain significance for Polycystic kidney disease 4. Review status: criteria provided, single submitter. Criteria: ACMG Guidelines, 2015. Collection method: clinical testing. Allele origin: germline.
Comment: Absent from controls (or at extremely low frequency if recessive) in Genome Aggregation Database.;For recessive disorders, detected in trans with a pathogenic variant.;Patient's phenotype or family history is highly specific for a disease with a single genetic etiology.

Literature cited by the submitters: PubMed 33123899 (cited by Women's Health and Genetics/Laboratory Corporation of America, LabCorp); PubMed 36549658 (cited by Women's Health and Genetics/Laboratory Corporation of America, LabCorp).